The following is an entry in ClinVar:

NM_001375524.1(TRRAP):c.3451G>A (p.Glu1151Lys)

Gene: TRRAP (transformation/transcription domain associated protein; plus strand). Cytogenetic location: 7q22.1.
Variant type: single nucleotide variant.
Coding change: c.3451G>A on transcript NM_001375524.1 (MANE Select); coding-DNA position 3451, G replaced by A.
Protein change: p.Glu1151Lys; replaces glutamic acid 1151 with lysine.
Molecular consequence: missense variant.
Genome position (GRCh38, 1-based): chr7:98,930,690, G>A. VCF-style: chr7-98930690-G-A. GRCh37 (hg19) VCF-style: chr7-98528313-G-A.
Other names: c.3451G>A, p.Glu1151Lys (NM_001244580.2, NM_003496.4); short protein forms E1151K.
Identifiers: ClinVar variation 3709583 (VCV003709583.2).

ClinVar aggregate classification (germline): Uncertain significance (1 of 4 stars; one submission).

Submission:

Labcorp Genetics (formerly Invitae), Labcorp
Classification: Uncertain significance. Last evaluated: 2025-01-18. Review status: criteria provided, single submitter. Criteria: Invitae Variant Classification Sherloc (09022015). Collection method: clinical testing. Allele origin: germline.
Comment: This sequence change replaces glutamic acid, which is acidic and polar, with lysine, which is basic and polar, at codon 1151 of the TRRAP protein (p.Glu1151Lys). This variant is not present in population databases (gnomAD no frequency). This variant has not been reported in the literature in individuals affected with TRRAP-related conditions. Invitae Evidence Modeling of protein sequence and biophysical properties (such as structural, functional, and spatial information, amino acid conservation, physicochemical variation, residue mobility, and thermodynamic stability) indicates that this missense variant is not expected to disrupt TRRAP protein function with a negative predictive value of 80%. In summary, the available evidence is currently insufficient to determine the role of this variant in disease. Therefore, it has been classified as a Variant of Uncertain Significance.